The following is an entry in ClinVar:

NM_002972.4(SBF1):c.5248C>G (p.Leu1750Val)

Gene: SBF1 (SET binding factor 1; minus strand). Cytogenetic location: 22q13.33.
Variant type: single nucleotide variant.
Coding change: c.5248C>G on transcript NM_002972.4 (MANE Select); coding-DNA position 5248, C replaced by G.
Protein change: p.Leu1750Val; replaces leucine 1750 with valine.
Molecular consequence: missense variant.
Genome position (GRCh38, 1-based): chr22:50,448,348, G>C on the plus strand (C>G on the coding strand, the complement: SBF1 is on the minus strand). VCF-style: chr22-50448348-G-C. GRCh37 (hg19) VCF-style: chr22-50886777-G-C.
Other names: c.5173C>G, p.Leu1725Val (NM_001365819.1); short protein forms L1725V, L1750V.
Identifiers: ClinVar variation 1395490 (VCV001395490.5), dbSNP rs902782859, ClinGen allele CA412186947.

ClinVar aggregate classification (germline): Uncertain significance (1 of 4 stars; one submission).

gnomAD v4.1: 1 of 1,613,922 alleles (0.000062%); highest among the groups gnomAD compares: Admixed American, 0.0017%; no homozygotes.

Submission:

Labcorp Genetics (formerly Invitae), Labcorp
Classification: Uncertain significance. Last evaluated: 2021-09-01. Review status: criteria provided, single submitter. Criteria: Invitae Variant Classification Sherloc (09022015). Collection method: clinical testing. Allele origin: germline.
Comment: This sequence change replaces leucine with valine at codon 1750 of the SBF1 protein (p.Leu1750Val). The leucine residue is moderately conserved and there is a small physicochemical difference between leucine and valine. This variant is not present in population databases (ExAC no frequency). This variant has not been reported in the literature in individuals affected with SBF1-related conditions. Algorithms developed to predict the effect of missense changes on protein structure and function are either unavailable or do not agree on the potential impact of this missense change (SIFT: "Tolerated"; PolyPhen-2: "Possibly Damaging"; Align-GVGD: "Class C0"). In summary, the available evidence is currently insufficient to determine the role of this variant in disease. Therefore, it has been classified as a Variant of Uncertain Significance.